The following is an entry in ClinVar:

ClinVar aggregate classification (germline): Uncertain significance (1 of 4 stars; one submission).

Conditions:
Hereditary cancer-predisposing syndrome. Also called: Tumor predisposition; Neoplastic Syndromes, Hereditary; Hereditary Cancer Syndrome; Hereditary neoplastic syndrome. Identifiers: Orphanet 140162, MedGen C0027672, MeSH D009386, MONDO:0015356.

Submission:

Ambry Genetics
Classification: Uncertain significance for Hereditary cancer-predisposing syndrome. Last evaluated: 2021-11-08. Review status: criteria provided, single submitter. Criteria: Ambry Variant Classification Scheme 2023. Collection method: clinical testing. Allele origin: germline.
Comment: The p.W105R variant (also known as c.313T>A), located in coding exon 2 of the MSH6 gene, results from a T to A substitution at nucleotide position 313. The tryptophan at codon 105 is replaced by arginine, an amino acid with dissimilar properties. This amino acid position is highly conserved in available vertebrate species. In addition, this alteration is predicted to be deleterious by in silico analysis. Since supporting evidence is limited at this time, the clinical significance of this alteration remains unclear.

NM_000179.3(MSH6):c.313T>A (p.Trp105Arg)

Gene: MSH6 (mutS homolog 6; plus strand). Cytogenetic location: 2p16.3.
Variant type: single nucleotide variant.
Coding change: c.313T>A on transcript NM_000179.3 (MANE Select); coding-DNA position 313, T replaced by A.
Protein change: p.Trp105Arg; replaces tryptophan 105 with arginine.
Molecular consequence: missense variant. On other transcripts: 5 prime UTR variant (2), intron variant (1).
Genome position (GRCh38, 1-based): chr2:47,790,979, T>A. VCF-style: chr2-47790979-T-A. GRCh37 (hg19) VCF-style: chr2-48018118-T-A.
Other names: c.-424T>A (NM_001281493.2, NM_001406811.1, NM_001406823.1 and 1 more transcripts); c.-590T>A (NM_001281494.2); c.409T>A, p.Trp137Arg (NM_001406795.1, NM_001406802.1); c.313T>A, p.Trp105Arg (NM_001406796.1, NM_001406798.1, NM_001406800.1 and 6 more transcripts); c.16T>A, p.Trp6Arg (NM_001406797.1, NM_001406801.1, NM_001406805.1 and 10 more transcripts); c.235T>A, p.Trp79Arg (NM_001406804.1); c.-616T>A (NM_001406807.1); c.-682T>A (NM_001406814.1); and 2 more; short protein forms W105R, W79R, W137R, W49R, W6R.
Identifiers: ClinVar variation 1728080 (VCV001728080.2), dbSNP rs2530433420, ClinGen allele CA346736834.